The following is an entry in ClinVar:

NM_002109.6(HARS1):c.178A>C (p.Lys60Gln)

Gene: HARS1 (histidyl-tRNA synthetase 1; minus strand). Cytogenetic location: 5q31.3.
Variant type: single nucleotide variant.
Coding change: c.178A>C on transcript NM_002109.6 (MANE Select); coding-DNA position 178, A replaced by C.
Protein change: p.Lys60Gln; replaces lysine 60 with glutamine.
Molecular consequence: missense variant.
Genome position (GRCh38, 1-based): chr5:140,690,857, T>G on the plus strand (A>C on the coding strand, the complement: HARS1 is on the minus strand). VCF-style: chr5-140690857-T-G. GRCh37 (hg19) VCF-style: chr5-140070442-T-G.
Other names: c.178A>C, p.Lys60Gln (NM_001258040.3, NM_001258041.3, NM_001258042.3 and 2 more transcripts); c.91A>C, p.Lys31Gln (NM_001289094.2); short protein forms K60Q, K31Q.
Identifiers: ClinVar variation 2126416 (VCV002126416.4), dbSNP rs2481338279, ClinGen allele CA361190004.

ClinVar aggregate classification (germline): Uncertain significance (1 of 4 stars; one submission).

Conditions:
Usher syndrome type 3B. Also called: USHER SYNDROME, TYPE IIIB. Identifiers: MedGen C3281066, MONDO:0013788, OMIM 614504.

Submission:

Labcorp Genetics (formerly Invitae), Labcorp
Classification: Uncertain significance for Usher syndrome type 3B. Last evaluated: 2025-02-24. Review status: criteria provided, single submitter. Criteria: Invitae Variant Classification Sherloc (09022015). Collection method: clinical testing. Allele origin: germline.
Comment: This sequence change replaces lysine, which is basic and polar, with glutamine, which is neutral and polar, at codon 60 of the HARS protein (p.Lys60Gln). This variant is not present in population databases (gnomAD no frequency). This variant has not been reported in the literature in individuals affected with HARS-related conditions. ClinVar contains an entry for this variant (Variation ID: 2126416). An algorithm developed to predict the effect of missense changes on protein structure and function (PolyPhen-2) suggests that this variant is likely to be disruptive. In summary, the available evidence is currently insufficient to determine the role of this variant in disease. Therefore, it has been classified as a Variant of Uncertain Significance.